The following is an entry in ClinVar:

NM_032043.3(BRIP1):c.602A>G (p.Lys201Arg)

Gene: BRIP1 (BRCA1 interacting DNA helicase 1; minus strand). Cytogenetic location: 17q23.2.
Variant type: single nucleotide variant.
Coding change: c.602A>G on transcript NM_032043.3 (MANE Select); coding-DNA position 602, A replaced by G.
Protein change: p.Lys201Arg; replaces lysine 201 with arginine.
Molecular consequence: missense variant.
Genome position (GRCh38, 1-based): chr17:61,847,126, T>C on the plus strand (A>G on the coding strand, the complement: BRIP1 is on the minus strand). VCF-style: chr17-61847126-T-C. GRCh37 (hg19) VCF-style: chr17-59924487-T-C.
Other names: short protein forms K201R.
Identifiers: ClinVar variation 461175 (VCV000461175.9), dbSNP rs1555615729, ClinGen allele CA400482894.

ClinVar aggregate classification (germline): Uncertain significance (1 of 4 stars; one submission).

Conditions:
Fanconi anemia complementation group J. Also called: BRIP1-Related Fanconi Anemia. Identifiers: Orphanet 84, MedGen C1836860, MONDO:0012187, OMIM 609054.
Familial cancer of breast. Also called: BREAST CANCER, FAMILIAL; hereditary breast carcinoma; Hereditary breast cancer. Identifiers: Orphanet 227535, MedGen C0346153, MONDO:0016419, OMIM 114480. Disease mechanism: loss of function.

Submission:

Labcorp Genetics (formerly Invitae), Labcorp
Classification: Uncertain significance for Familial cancer of breast; Fanconi anemia complementation group J. Last evaluated: 2018-04-14. Review status: criteria provided, single submitter. Criteria: Invitae Variant Classification Sherloc (09022015). Collection method: clinical testing. Allele origin: germline.
Comment: In summary, the available evidence is currently insufficient to determine the role of this variant in disease. Therefore, it has been classified as a Variant of Uncertain Significance. This sequence change replaces lysine with arginine at codon 201 of the BRIP1 protein (p.Lys201Arg). The lysine residue is weakly conserved and there is a small physicochemical difference between lysine and arginine. This variant is not present in population databases (ExAC no frequency). This variant has not been reported in the literature in individuals with BRIP1-related disease. ClinVar contains an entry for this variant (Variation ID: 461175). Algorithms developed to predict the effect of missense changes on protein structure and function (SIFT, PolyPhen-2, Align-GVGD) all suggest that this variant is likely to be tolerated, but these predictions have not been confirmed by published functional studies and their clinical significance is uncertain. Algorithms developed to predict the effect of sequence changes on RNA splicing suggest that this variant may create or strengthen a splice site, but this prediction has not been confirmed by published transcriptional studies.